The following is an entry in ClinVar:

ClinVar aggregate classification (germline): Uncertain significance (1 of 4 stars; one submission).

Conditions:
Werner syndrome (WRN). Identifiers: Orphanet 902, MedGen C0043119, MONDO:0010196, OMIM 277700.

Allele frequency attached by ClinVar (database versions not stated): TOPMed 0.00001.

Submission:

Labcorp Genetics (formerly Invitae), Labcorp
Classification: Uncertain significance for Werner syndrome. Last evaluated: 2022-10-23. Review status: criteria provided, single submitter. Criteria: Invitae Variant Classification Sherloc (09022015). Collection method: clinical testing. Allele origin: germline.
Comment: This variant is not present in population databases (gnomAD no frequency). In summary, the available evidence is currently insufficient to determine the role of this variant in disease. Therefore, it has been classified as a Variant of Uncertain Significance. Algorithms developed to predict the effect of missense changes on protein structure and function are either unavailable or do not agree on the potential impact of this missense change (SIFT: "Not Available"; PolyPhen-2: "Possibly Damaging"; Align-GVGD: "Not Available"). ClinVar contains an entry for this variant (Variation ID: 1019853). This variant has not been reported in the literature in individuals affected with WRN-related conditions. This sequence change replaces proline, which is neutral and non-polar, with glutamine, which is neutral and polar, at codon 615 of the WRN protein (p.Pro615Gln).

NM_000553.6(WRN):c.1844C>A (p.Pro615Gln)

Gene: WRN (WRN RecQ like helicase; plus strand). Cytogenetic location: 8p12.
Variant type: single nucleotide variant.
Coding change: c.1844C>A on transcript NM_000553.6 (MANE Select); coding-DNA position 1844, C replaced by A.
Protein change: p.Pro615Gln; replaces proline 615 with glutamine.
Molecular consequence: missense variant.
Genome position (GRCh38, 1-based): chr8:31,091,844, C>A. VCF-style: chr8-31091844-C-A. GRCh37 (hg19) VCF-style: chr8-30949360-C-A.
Other names: short protein forms P615Q.
Identifiers: ClinVar variation 1019853 (VCV001019853.5), dbSNP rs1304890222, ClinGen allele CA370928369.
Genomic context (GRCh38, chr8:31,091,844, plus strand): 5'-GTGTAATGTGTACATGGTGCCAGAATATTTGTTTTTCTTCTTATAGAATGTCCAACATCC[C>A]AGCTTGCTTCCTTGGATCAGCACAGTCAGAAAATGTTCTAACAGATATTAAATTGTGAGT-3'
Protein context (NP_000544.2, residues 605-625): QVLQLKMSNI[Pro615Gln]ACFLGSAQSE